The following is an entry in ClinVar:

ClinVar aggregate classification (germline): Uncertain significance (1 of 4 stars; one submission).

Conditions:
Early-onset Lafora body disease. Also called: Epilepsy, progressive myoclonic, 10. Identifiers: Orphanet 324290, MedGen C4225258, MONDO:0014717, OMIM 616640.

Submission:

Labcorp Genetics (formerly Invitae), Labcorp
Classification: Uncertain significance for Early-onset Lafora body disease. Last evaluated: 2021-09-15. Review status: criteria provided, single submitter. Criteria: Invitae Variant Classification Sherloc (09022015). Collection method: clinical testing. Allele origin: germline.
Comment: In summary, the available evidence is currently insufficient to determine the role of this variant in disease. Therefore, it has been classified as a Variant of Uncertain Significance. Algorithms developed to predict the effect of missense changes on protein structure and function are either unavailable or do not agree on the potential impact of this missense change (SIFT: "Deleterious"; PolyPhen-2: "Benign"; Align-GVGD: "Class C0"). This variant has not been reported in the literature in individuals affected with PRDM8-related conditions. This variant is not present in population databases (ExAC no frequency). This sequence change replaces proline with threonine at codon 302 of the PRDM8 protein (p.Pro302Thr). The proline residue is highly conserved and there is a small physicochemical difference between proline and threonine.

NM_001099403.2(PRDM8):c.904C>A (p.Pro302Thr)

Gene: PRDM8 (PR/SET domain 8; plus strand). Cytogenetic location: 4q21.21.
Variant type: single nucleotide variant.
Coding change: c.904C>A on transcript NM_001099403.2 (MANE Select); coding-DNA position 904, C replaced by A.
Protein change: p.Pro302Thr; replaces proline 302 with threonine.
Molecular consequence: missense variant.
Genome position (GRCh38, 1-based): chr4:80,202,366, C>A. VCF-style: chr4-80202366-C-A. GRCh37 (hg19) VCF-style: chr4-81123520-C-A.
Other names: c.904C>A, p.Pro302Thr (NM_020226.4); short protein forms P302T.
Identifiers: ClinVar variation 1380891 (VCV001380891.6), dbSNP rs1357775685, ClinGen allele CA357396638.